The following is an entry in ClinVar:

ClinVar aggregate classification (germline): Conflicting classifications of pathogenicity. Review status: criteria provided, conflicting classifications (1 of 4 stars). 2 submissions from 2 submitters: Uncertain significance (1); Likely benign (1). Last evaluated 2024-05-10.

Allele frequency attached by ClinVar (database versions not stated): ExAC 0.00005; gnomAD 0.00007; gnomAD exomes 0.00007; TOPMed 0.00007.
gnomAD v4.1: 117 of 1,613,288 alleles (0.0073%); highest among the groups gnomAD compares: Non-Finnish European, 0.0086%; 1 homozygote.

Submissions (2):

Ambry Genetics
Classification: Uncertain significance. Last evaluated: 2024-05-10. Review status: criteria provided, single submitter. Criteria: Ambry Variant Classification Scheme 2023. Collection method: clinical testing. Allele origin: germline.

CeGaT Center for Human Genetics Tuebingen
Classification: Likely benign. Last evaluated: 2024-04-01. Review status: criteria provided, single submitter. Criteria: CeGaT Center For Human Genetics Tuebingen Variant Classification Criteria Version 2. Collection method: clinical testing. Allele origin: germline. Affected: yes. Observed: 1 variant allele.
Comment: NUP210: BP4

NM_024923.4(NUP210):c.857A>G (p.Gln286Arg)

Gene: NUP210 (nucleoporin 210; minus strand). Cytogenetic location: 3p25.1.
Variant type: single nucleotide variant.
Coding change: c.857A>G on transcript NM_024923.4 (MANE Select); coding-DNA position 857, A replaced by G.
Protein change: p.Gln286Arg; replaces glutamine 286 with arginine.
Molecular consequence: missense variant.
Genome position (GRCh38, 1-based): chr3:13,379,682, T>C on the plus strand (A>G on the coding strand, the complement: NUP210 is on the minus strand). VCF-style: chr3-13379682-T-C. GRCh37 (hg19) VCF-style: chr3-13421182-T-C.
Other names: short protein forms Q286R.
Identifiers: ClinVar variation 2377432 (VCV002377432.23), dbSNP rs746638562, ClinGen allele CA2264378.